The following is an entry in ClinVar:

ClinVar aggregate classification (germline): Uncertain significance (1 of 4 stars; one submission).

Conditions:
CASR-related disorder. Also called: CASR-related condition.

Submission:

PreventionGenetics, part of Exact Sciences
Classification: Uncertain significance for CASR-related condition. Last evaluated: 2023-05-25. Review status: criteria provided, single submitter. Criteria: ACMG Guidelines, 2015. Collection method: clinical testing. Allele origin: germline.
Comment: The CASR c.1301_1306del6 variant is predicted to result in an in-frame deletion (p.Ile434_Tyr435del). To our knowledge, this variant has not been reported in the literature or in a large population database, indicating this variant is rare. At this time, the clinical significance of this variant is uncertain due to the absence of conclusive functional and genetic evidence.

NM_000388.4(CASR):c.1301_1306del (p.Ile434_Tyr435del)

Gene: CASR (calcium sensing receptor; plus strand). Cytogenetic location: 3q21.1.
Variant type: Microsatellite.
Coding change: c.1301_1306del on transcript NM_000388.4 (MANE Select); coding-DNA positions 1301 to 1306, 6 bases deleted (TATATA; older notation c.1301_1306delTATATA).
Protein change: p.Ile434_Tyr435del.
Molecular consequence: inframe deletion.
Genome position (GRCh38, 1-based): chr3:122,262,336-122,262,341, TATATA deleted; deleting any 6 consecutive bases within chr3:122,262,333-122,262,341 gives the same sequence; the c. name uses the placement nearest the transcript's 3' end. VCF-style (leftmost placement, unchanged base first): chr3-122262332-GATATAT-G. GRCh37 (hg19) VCF-style: chr3-121981179-GATATAT-G.
Other names: c.1301_1306del, p.Ile434_Tyr435del (NM_001178065.2).
Identifiers: ClinVar variation 2632351 (VCV002632351.1), dbSNP rs2473229022, ClinGen allele CA2695199275.